The following is an entry in ClinVar:

NM_001267550.2(TTN):c.66778G>C (p.Glu22260Gln)

Genes: TTN (titin; minus strand), TTN-AS1 (TTN antisense RNA 1; plus strand). Cytogenetic location: 2q31.2.
Variant type: single nucleotide variant.
Coding change: c.66778G>C on transcript NM_001267550.2 (MANE Select); coding-DNA position 66778, G replaced by C.
Protein change: p.Glu22260Gln; replaces glutamic acid 22260 with glutamine.
Molecular consequence: missense variant.
Genome position (GRCh38, 1-based): chr2:178,580,601, C>G on the plus strand (G>C on the coding strand, the complement: TTN is on the minus strand). VCF-style: chr2-178580601-C-G. GRCh37 (hg19) VCF-style: chr2-179445328-C-G.
Other names: p.Glu20619Gln; c.61855G>C, p.Glu20619Gln (NM_001256850.1); c.39583G>C, p.Glu13195Gln (NM_003319.4); c.59074G>C, p.Glu19692Gln (NM_133378.4); c.39958G>C, p.Glu13320Gln (NM_133432.3); c.40159G>C, p.Glu13387Gln (NM_133437.4); c.66778G>C (NM_001267550.1); short protein forms E22260Q, E13195Q, E13387Q, E13320Q, E19692Q, E20619Q.
Identifiers: ClinVar variation 535729 (VCV000535729.8), dbSNP rs553988103, ClinGen allele CA1991432.
Genomic context (GRCh38, chr2:178,580,601, plus strand): 5'-TCATAGTAACTCCAGCACGTAATATGAGTGTCTTCCTTAAGTCCGCATCAAGTTCTCCCT[C>G]AGGTGGAACTGTTTAATTTTGGGTGAAGAAGTTAAATAAAAATTTAATAGTCAAATGTAT-3'
Protein context (NP_001254479.2, residues 22250-22270): HYPKDILIPP[Glu22260Gln]GELDADLRKT

ClinVar aggregate classification (germline): Conflicting classifications of pathogenicity. Review status: criteria provided, conflicting classifications (1 of 4 stars). 6 submissions from 6 submitters: Uncertain significance (4); Likely benign (2). Last evaluated 2026-06-16.

Conditions:
Dilated cardiomyopathy 1G (CMD1G). Identifiers: Orphanet 154, MedGen C1858763, MONDO:0011400, OMIM 604145.
Autosomal recessive limb-girdle muscular dystrophy type 2J (LGMDR10). Also called: MUSCULAR DYSTROPHY, LIMB-GIRDLE, AUTOSOMAL RECESSIVE 10; Limb-girdle muscular dystrophy, type 2J. Identifiers: Orphanet 140922, MedGen C1837342, MONDO:0012127, OMIM 608807.
TTN-related disorder. Also called: TTN-related condition; TTN-related disease; TTN-related disorders.

Allele frequency attached by ClinVar (database versions not stated): ExAC 0.00002; gnomAD exomes 0.00004.
gnomAD v4.1: 13 of 1,605,658 alleles (0.00081%); highest among the groups gnomAD compares: Admixed American, 0.019%; no homozygotes.

Submissions (6):

PreventionGenetics, part of Exact Sciences
Classification: Uncertain significance for TTN-related condition. Last evaluated: 2026-06-16. Review status: criteria provided, single submitter. Criteria: ACMG Guidelines, 2015. Collection method: clinical testing. Allele origin: germline.
Comment: The TTN c.66778G>C variant is predicted to result in the amino acid substitution p.Glu22260Gln. To our knowledge, this variant has not been reported in the literature. This variant is reported in 0.031% of alleles in individuals of Latino descent in gnomAD. At this time, the clinical significance of this variant is uncertain due to the absence of conclusive functional and genetic evidence.

Athena Diagnostics
Classification: Uncertain significance. Last evaluated: 2025-05-19. Review status: criteria provided, single submitter. Criteria: Athena Diagnostics Criteria. Collection method: clinical testing. Allele origin: unknown.
Comment: Available data are insufficient to determine the clinical significance of the variant at this time. The frequency of this variant in the general population is uninformative in assessment of its pathogenicity. Computational tools yielded inconclusive predictions regarding the effect of this variant on RNA splicing. Polyphen and MutationTaster predict this amino acid change may be benign.

Molecular Diagnostic Laboratory for Inherited Cardiovascular Disease, Montreal Heart Institute
Classification: Likely benign. Last evaluated: 2025-04-09. Review status: criteria provided, single submitter. Criteria: ACMG Guidelines, 2015. Collection method: clinical testing. Allele origin: germline. Affected: no.

Mayo Clinic Laboratories, Mayo Clinic
Classification: Uncertain significance. Last evaluated: 2023-09-28. Review status: criteria provided, single submitter. Criteria: ACMG Guidelines, 2015. Collection method: clinical testing. Allele origin: germline. Observed: 1 variant allele.

GeneDx
Classification: Likely benign. Last evaluated: 2018-03-28. Review status: criteria provided, single submitter. Criteria: GeneDx Variant Classification (06012015). Collection method: clinical testing. Allele origin: germline. Affected: yes.
Comment: This variant is considered likely benign or benign based on one or more of the following criteria: it is a conservative change, it occurs at a poorly conserved position in the protein, it is predicted to be benign by multiple in silico algorithms, and/or has population frequency not consistent with disease.

Labcorp Genetics (formerly Invitae), Labcorp
Classification: Uncertain significance for Dilated cardiomyopathy 1G; Autosomal recessive limb-girdle muscular dystrophy type 2J. Last evaluated: 2017-10-10. Review status: criteria provided, single submitter. Criteria: Invitae Variant Classification Sherloc (09022015). Collection method: clinical testing. Allele origin: germline.